The following is an entry in ClinVar:

NM_000744.7(CHRNA4):c.581T>C (p.Met194Thr)

Gene: CHRNA4 (cholinergic receptor nicotinic alpha 4 subunit; minus strand). Cytogenetic location: 20q13.33.
Variant type: single nucleotide variant.
Coding change: c.581T>C on transcript NM_000744.7 (MANE Select); coding-DNA position 581, T replaced by C.
Protein change: p.Met194Thr; replaces methionine 194 with threonine.
Molecular consequence: missense variant. On other transcripts: non-coding transcript variant (1).
Genome position (GRCh38, 1-based): chr20:63,350,830, A>G on the plus strand (T>C on the coding strand, the complement: CHRNA4 is on the minus strand). VCF-style: chr20-63350830-A-G. GRCh37 (hg19) VCF-style: chr20-61982182-A-G.
Other names: c.53T>C, p.Met18Thr (NM_001256573.2); c.581T>C (NM_000744.5); short protein forms M18T, M194T.
Identifiers: ClinVar variation 1086961 (VCV001086961.11), dbSNP rs2068585706, ClinGen allele CA409637780.

ClinVar aggregate classification (germline): Conflicting classifications of pathogenicity. Review status: criteria provided, conflicting classifications (1 of 4 stars). 2 submissions from 2 submitters: Uncertain significance (1); Likely benign (1). Last evaluated 2023-10-03.

Conditions:
Familial sleep-related hypermotor epilepsy. Also called: Autosomal Dominant Sleep-Related Hypermotor (Hyperkinetic) Epilepsy. Identifiers: Orphanet 98784, MedGen C3696898, MONDO:0000030.

Allele frequency attached by ClinVar (database versions not stated): gnomAD exomes below 0.00001; TOPMed below 0.00001.

Submissions (2):

Labcorp Genetics (formerly Invitae), Labcorp
Classification: Likely benign. Last evaluated: 2023-10-03. Review status: criteria provided, single submitter. Criteria: Invitae Variant Classification Sherloc (09022015). Collection method: clinical testing. Allele origin: germline.

GeneDx
Classification: Uncertain significance. Last evaluated: 2023-02-17. Review status: criteria provided, single submitter. Criteria: GeneDx Variant Classification Process June 2021. Collection method: clinical testing. Allele origin: germline. Affected: yes.
Comment: Not observed at significant frequency in large population cohorts (gnomAD); In silico analysis supports that this missense variant has a deleterious effect on protein structure/function; Has not been previously published as pathogenic or benign to our knowledge